The following is an entry in ClinVar:

ClinVar aggregate classification (germline): Likely benign (1 of 4 stars; one submission).

Allele frequency attached by ClinVar (database versions not stated): ESP Exome Variant Server 0.00108; gnomAD exomes 0.00136; 1000 Genomes Project 30x 0.00016; 1000 Genomes Project 0.00020; ExAC 0.00090; gnomAD 0.00098; TOPMed 0.00099.
gnomAD v4.1: 2,127 of 1,613,930 alleles (0.13%); highest among the groups gnomAD compares: Non-Finnish European, 0.15%; 7 homozygotes.

Submission:

CeGaT Center for Human Genetics Tuebingen
Classification: Likely benign. Last evaluated: 2022-07-01. Review status: criteria provided, single submitter. Criteria: CeGaT Center For Human Genetics Tuebingen Variant Classification Criteria Version 2. Collection method: clinical testing. Allele origin: germline. Affected: yes. Observed: 1 variant allele.
Comment: INHBB: BP4, BP7

NM_002193.4(INHBB):c.738C>T (p.Leu246=)

Gene: INHBB (inhibin subunit beta B; plus strand). Cytogenetic location: 2q14.2.
Variant type: single nucleotide variant.
Coding change: c.738C>T on transcript NM_002193.4 (MANE Select); coding-DNA position 738, C replaced by T.
Protein change: p.Leu246=; no amino-acid change (leucine 246 retained).
Molecular consequence: synonymous variant.
Genome position (GRCh38, 1-based): chr2:120,349,388, C>T. VCF-style: chr2-120349388-C-T. GRCh37 (hg19) VCF-style: chr2-121106964-C-T.
Identifiers: ClinVar variation 2651315 (VCV002651315.24), dbSNP rs144317593, ClinGen allele CA1851210.
Genomic context (GRCh38, chr2:120,349,388, plus strand): 5'-GCATACCTTCCCACTCACGGAGGCCATCCAGGCCTTGTTTGAGCGGGGCGAGCGGCGACT[C>T]AACCTAGACGTGCAGTGTGACAGCTGCCAGGAGCTGGCCGTGGTGCCGGTGTTCGTGGAC-3'
Protein context (NP_002184.2, residues 236-256): QALFERGERR[Leu246=]NLDVQCDSCQ